The following is an entry in ClinVar:

NM_005823.6(MSLN):c.1674G>A (p.Pro558=)

Gene: MSLN (mesothelin; plus strand). Cytogenetic location: 16p13.3.
Variant type: single nucleotide variant.
Coding change: c.1674G>A on transcript NM_005823.6 (MANE Select); coding-DNA position 1674, G replaced by A.
Protein change: p.Pro558=; no amino-acid change (proline 558 retained).
Molecular consequence: synonymous variant.
Genome position (GRCh38, 1-based): chr16:768,456, G>A. VCF-style: chr16-768456-G-A. GRCh37 (hg19) VCF-style: chr16-818456-G-A.
Other names: c.1674G>A, p.Pro558= (NM_001177355.3); c.1698G>A, p.Pro566= (NM_013404.4).
Identifiers: ClinVar variation 2645855 (VCV002645855.24), dbSNP rs201466189, ClinGen allele CA7791959.

ClinVar aggregate classification (germline): Likely benign (1 of 4 stars; one submission).

Allele frequency attached by ClinVar (database versions not stated): ESP Exome Variant Server 0.00008; 1000 Genomes Project 30x 0.00031.
gnomAD v4.1: 317 of 1,542,624 alleles (0.021%); highest among the groups gnomAD compares: African/African-American, 0.036%; no homozygotes.

Submission:

CeGaT Center for Human Genetics Tuebingen
Classification: Likely benign. Last evaluated: 2022-11-01. Review status: criteria provided, single submitter. Criteria: CeGaT Center For Human Genetics Tuebingen Variant Classification Criteria Version 2. Collection method: clinical testing. Allele origin: germline. Affected: yes. Observed: 1 variant allele.
Comment: MSLN: BP4, BP7